The following is an entry in ClinVar:

ClinVar aggregate classification (germline): Uncertain significance (1 of 4 stars; one submission).

Conditions:
Cowden syndrome (CS). Also called: Cowden's disease; Cowden's syndrome; Cowden disease. Identifiers: Orphanet 201, MedGen C0018553, MONDO:0016063. Disease mechanism: gain of function.

Allele frequency attached by ClinVar (database versions not stated): gnomAD exomes below 0.00001; gnomAD 0.00001; TOPMed 0.00001.
gnomAD v4.1: 3 of 1,610,914 alleles (0.00019%); highest among the groups gnomAD compares: Non-Finnish European, 0.00025%; no homozygotes.

Submission:

Labcorp Genetics (formerly Invitae), Labcorp
Classification: Uncertain significance for Cowden syndrome. Last evaluated: 2022-07-29. Review status: criteria provided, single submitter. Criteria: Invitae Variant Classification Sherloc (09022015). Collection method: clinical testing. Allele origin: germline.
Comment: This variant is not present in population databases (gnomAD no frequency). In summary, the available evidence is currently insufficient to determine the role of this variant in disease. Therefore, it has been classified as a Variant of Uncertain Significance. Advanced modeling of protein sequence and biophysical properties (such as structural, functional, and spatial information, amino acid conservation, physicochemical variation, residue mobility, and thermodynamic stability) performed at Invitae indicates that this missense variant is expected to disrupt PIK3CA protein function. This variant has not been reported in the literature in individuals affected with PIK3CA-related conditions. This sequence change replaces lysine, which is basic and polar, with isoleucine, which is neutral and non-polar, at codon 621 of the PIK3CA protein (p.Lys621Ile).

NM_006218.4(PIK3CA):c.1862A>T (p.Lys621Ile)

Gene: PIK3CA (phosphatidylinositol-4,5-bisphosphate 3-kinase catalytic subunit alpha; plus strand). Cytogenetic location: 3q26.32.
Variant type: single nucleotide variant.
Coding change: c.1862A>T on transcript NM_006218.4 (MANE Select); coding-DNA position 1862, A replaced by T.
Protein change: p.Lys621Ile; replaces lysine 621 with isoleucine.
Molecular consequence: missense variant.
Genome position (GRCh38, 1-based): chr3:179,219,686, A>T. VCF-style: chr3-179219686-A-T. GRCh37 (hg19) VCF-style: chr3-178937474-A-T.
Other names: short protein forms K621I.
Identifiers: ClinVar variation 1900334 (VCV001900334.5), dbSNP rs1334051055, ClinGen allele CA355266749.
Genomic context (GRCh38, chr3:179,219,686, plus strand): 5'-TTCTGGACTGTAATTACCCAGATCCTATGGTTCGAGGTTTTGCTGTTCGGTGCTTGGAAA[A>T]ATATTTAACAGATGACAAACTTTCTCAGTATTTAATTCAGCTAGTACAGGTAAAATAATG-3'
Protein context (NP_006209.2, residues 611-631): VRGFAVRCLE[Lys621Ile]YLTDDKLSQY